The following is an entry in ClinVar:

ClinVar aggregate classification (germline): Benign/Likely benign. Review status: criteria provided, multiple submitters, no conflicts (2 of 4 stars). 5 submissions from 5 submitters: Benign (1); Likely benign (4). Last evaluated 2026-01-18.

Conditions:
Congenital myopathy with internal nuclei and atypical cores. Also called: Myopathy, centronuclear, 4. Identifiers: Orphanet 319160, MedGen C4707232, MONDO:0013890, OMIM 614807.

Allele frequency attached by ClinVar (database versions not stated): gnomAD exomes 0.00024 and 0.00055; ExAC 0.00065; TOPMed 0.00204; 1000 Genomes Project 0.00240; ESP Exome Variant Server 0.00254; 1000 Genomes Project 30x 0.00265.
gnomAD v4.1: 654 of 1,612,698 alleles (0.041%); highest among the groups gnomAD compares: African/African-American, 0.78%; 2 homozygotes.

Submissions (5):

Labcorp Genetics (formerly Invitae), Labcorp
Classification: Likely benign for Congenital myopathy with internal nuclei and atypical cores. Last evaluated: 2026-01-18. Review status: criteria provided, single submitter. Criteria: Invitae Variant Classification Sherloc (09022015). Collection method: clinical testing. Allele origin: germline.

CeGaT Center for Human Genetics Tuebingen
Classification: Likely benign. Last evaluated: 2026-01-01. Review status: criteria provided, single submitter. Criteria: CeGaT Center For Human Genetics Tuebingen Variant Classification Criteria Version 2. Collection method: clinical testing. Allele origin: germline. Affected: yes. Observed: 1 variant allele.
Comment: CCDC78: BP4, BS2

GeneDx
Classification: Benign. Last evaluated: 2019-12-16. Review status: criteria provided, single submitter. Criteria: GeneDx Variant Classification Process June 2021. Collection method: clinical testing. Allele origin: germline. Affected: yes.

Athena Diagnostics
Classification: Likely benign. Last evaluated: 2016-12-13. Review status: criteria provided, single submitter. Criteria: Athena Diagnostics Criteria. Collection method: clinical testing. Allele origin: germline.

Breakthrough Genomics
Classification: Likely benign. Review status: criteria provided, single submitter. Criteria: ACMG Guidelines, 2015. Collection method: not provided. Allele origin: germline. Inheritance: Autosomal dominant inheritance. Affected: yes.

NM_001378030.1(CCDC78):c.1190G>A (p.Arg397His)

Gene: CCDC78 (coiled-coil domain containing 78; minus strand). Cytogenetic location: 16p13.3.
Variant type: single nucleotide variant.
Coding change: c.1190G>A on transcript NM_001378030.1 (MANE Select); coding-DNA position 1190, G replaced by A.
Protein change: p.Arg397His; replaces arginine 397 with histidine.
Molecular consequence: missense variant. On other transcripts: non-coding transcript variant (5).
Genome position (GRCh38, 1-based): chr16:723,105, C>T on the plus strand (G>A on the coding strand, the complement: CCDC78 is on the minus strand). VCF-style: chr16-723105-C-T. GRCh37 (hg19) VCF-style: chr16-773105-C-T.
Other names: c.1190G>A, p.Arg397His (NM_001031737.3); c.1010G>A, p.Arg337His (NM_001378031.1); c.623G>A, p.Arg208His (NM_001378033.1); short protein forms R397H, R208H, R337H.
Identifiers: ClinVar variation 447006 (VCV000447006.20), dbSNP rs150304459, ClinGen allele CA7789141.
Genomic context (GRCh38, chr16:723,105, plus strand): 5'-GAGCTGGGGCATGGCGTGAGGATGGGCCTGGGCCAGCCCTTGCCTCCTACCTGGGTGCTG[C>T]GGGAGAAGTCCCGGAGCTTCTGGTGGATCTGGGCCCAGGATGCAGCGTCCAGGCCCCTGT-3'
Protein context (NP_001364959.1, residues 387-407): QIHQKLRDFS[Arg397His]STQAELERER